The following is an entry in ClinVar:

ClinVar aggregate classification (germline): Uncertain significance. Review status: criteria provided, multiple submitters, no conflicts (2 of 4 stars). 2 submissions from 2 submitters: Uncertain significance (2). Last evaluated 2025-02-12.

Conditions:
Tumor predisposition syndrome 3 (TPDS3). Also called: Melanoma, cutaneous malignant, susceptibility to, 10; Glioma susceptibility 9; LONG TELOMERE SYNDROME, POT1-RELATED; POT1 Tumor Predisposition. Identifiers: Orphanet 618, MedGen C4014476, MONDO:0014368, OMIM 615848.
Hereditary cancer-predisposing syndrome. Also called: Tumor predisposition; Neoplastic Syndromes, Hereditary; Hereditary Cancer Syndrome; Hereditary neoplastic syndrome. Identifiers: Orphanet 140162, MedGen C0027672, MeSH D009386, MONDO:0015356.

Submissions (2):

Ambry Genetics
Classification: Uncertain significance for Hereditary cancer-predisposing syndrome. Last evaluated: 2025-02-12. Review status: criteria provided, single submitter. Criteria: Ambry Variant Classification Scheme 2023. Collection method: clinical testing. Allele origin: germline.
Comment: The c.1163+5G>A intronic variant results from a G to A substitution 5 nucleotides after coding exon 9 in the POT1 gene. This nucleotide position is highly conserved in available vertebrate species. In silico splice site analysis predicts that this alteration will weaken the native splice donor site; however, direct evidence is insufficient at this time (Ambry internal data). Based on the available evidence, the clinical significance of this variant remains unclear.

Labcorp Genetics (formerly Invitae), Labcorp
Classification: Uncertain significance for Tumor predisposition syndrome 3. Last evaluated: 2020-02-04. Review status: criteria provided, single submitter. Criteria: Invitae Variant Classification Sherloc (09022015). Collection method: clinical testing. Allele origin: germline.
Comment: This variant has not been reported in the literature in individuals with POT1-related disease. This variant is not present in population databases (ExAC no frequency). This sequence change falls in intron 13 of the POT1 gene. It does not directly change the encoded amino acid sequence of the POT1 protein, but it affects a nucleotide within the consensus splice site of the intron. Nucleotide substitutions within the consensus splice site are a relatively common cause of aberrant splicing (PMID: 17576681, 9536098). Algorithms developed to predict the effect of sequence changes on RNA splicing suggest that this variant may disrupt the consensus splice site, but this prediction has not been confirmed by published transcriptional studies. In summary, the available evidence is currently insufficient to determine the role of this variant in disease. Therefore, it has been classified as a Variant of Uncertain Significance.

Literature cited by the submitters: PubMed 17576681 (cited by Labcorp Genetics (formerly Invitae), Labcorp); PubMed 9536098 (cited by Labcorp Genetics (formerly Invitae), Labcorp).

NM_015450.3(POT1):c.1163+5G>A

Gene: POT1 (protection of telomeres 1; minus strand). Cytogenetic location: 7q31.33.
Variant type: single nucleotide variant.
Coding change: c.1163+5G>A on transcript NM_015450.3 (MANE Select); 5 bases into the intron after coding-DNA position 1163, G replaced by A.
Molecular consequence: intron variant.
Genome position (GRCh38, 1-based): chr7:124,842,802, C>T on the plus strand (G>A on the coding strand, the complement: POT1 is on the minus strand). VCF-style: chr7-124842802-C-T. GRCh37 (hg19) VCF-style: chr7-124482856-C-T.
Other names: c.770+5G>A (NM_001042594.2).
Identifiers: ClinVar variation 662419 (VCV000662419.8), dbSNP rs1584758333, ClinGen allele CA915945500.